The following is an entry in ClinVar:

ClinVar aggregate classification (germline): Uncertain significance (1 of 4 stars; one submission).

Conditions:
Hereditary cancer-predisposing syndrome. Also called: Tumor predisposition; Neoplastic Syndromes, Hereditary; Hereditary Cancer Syndrome; Hereditary neoplastic syndrome. Identifiers: Orphanet 140162, MedGen C0027672, MeSH D009386, MONDO:0015356.

Submission:

Ambry Genetics
Classification: Uncertain significance for Hereditary cancer-predisposing syndrome. Last evaluated: 2025-01-27. Review status: criteria provided, single submitter. Criteria: Ambry Variant Classification Scheme 2023. Collection method: clinical testing. Allele origin: germline.
Comment: The p.S1806T variant (also known as c.5416T>A), located in coding exon 15 of the APC gene, results from a T to A substitution at nucleotide position 5416. The serine at codon 1806 is replaced by threonine, an amino acid with similar properties. This amino acid position is conserved. In addition, in silico predictors for this gene do not accurately predict pathogenicity. Based on the available evidence, the clinical significance of this variant remains unclear.

NM_000038.6(APC):c.5416T>A (p.Ser1806Thr)

Gene: APC (APC regulator of Wnt signaling pathway; plus strand). Cytogenetic location: 5q22.2.
Variant type: single nucleotide variant.
Coding change: c.5416T>A on transcript NM_000038.6 (MANE Select); coding-DNA position 5416, T replaced by A.
Protein change: p.Ser1806Thr; replaces serine 1806 with threonine.
Molecular consequence: missense variant. On other transcripts: non-coding transcript variant (2).
Genome position (GRCh38, 1-based): chr5:112,841,010, T>A. VCF-style: chr5-112841010-T-A. GRCh37 (hg19) VCF-style: chr5-112176707-T-A.
Other names: c.5416T>A, p.Ser1806Thr (NM_001127510.3, NM_001354895.2, NM_001407450.1); c.5362T>A, p.Ser1788Thr (NM_001127511.3); c.5470T>A, p.Ser1824Thr (NM_001354896.2, NM_001407447.1, NM_001407448.1 and 1 more transcripts); c.5446T>A, p.Ser1816Thr (NM_001354897.2); c.5341T>A, p.Ser1781Thr (NM_001354898.2); c.5332T>A, p.Ser1778Thr (NM_001354899.2); c.5293T>A, p.Ser1765Thr (NM_001354900.2); c.5239T>A, p.Ser1747Thr (NM_001354901.2, NM_001407453.1); and 11 more; short protein forms S1677T, S1715T, S1723T, S1788T, S1796T, S1799T, S1806T, S1523T.
Identifiers: ClinVar variation 3882114 (VCV003882114.1).
Genomic context (GRCh38, chr5:112,841,010, plus strand): 5'-AGGACACGTGTAAGAAAAAATGCAGACTCAAAAAATAATTTAAATGCTGAGAGAGTTTTC[T>A]CAGACAACAAAGATTCAAAGAAACAGAATTTGAAAAATAATTCCAAGGTCTTCAATGATA-3'
Protein context (NP_000029.2, residues 1796-1816): KNNLNAERVF[Ser1806Thr]DNKDSKKQNL